The following is an entry in ClinVar:

ClinVar aggregate classification (germline): Pathogenic. Review status: criteria provided, multiple submitters, no conflicts (2 of 4 stars). 2 submissions from 2 submitters: Pathogenic (2). Last evaluated 2025-12-09.

Conditions:
Donnai-Barrow syndrome. Also called: DBS/FOAR SYNDROME; FACIOOCULOACOUSTICORENAL SYNDROME. Identifiers: Orphanet 2143, MedGen C1857277, MONDO:0009104, OMIM 222448.

Submissions (2):

Myriad Genetics, Inc.
Classification: Pathogenic for Donnai-Barrow syndrome. Last evaluated: 2025-12-09. Review status: criteria provided, single submitter. Criteria: Myriad Autosomal Dominant, Autosomal Recessive and X-Linked Classification Criteria (2023). Collection method: clinical testing. Allele origin: unknown.
Comment: NM_004525.2(LRP2):c.10589G>A(W3530*) is expected to be pathogenic in the context of Donnai-Barrow syndrome. This variant is predicted to lead to an abnormal or absent protein product due to the creation of a premature termination codon in LRP2, a gene where loss-of-function variants are known to be pathogenic. Please note: this variant was assessed in the context of healthy population screening.

Labcorp Genetics (formerly Invitae), Labcorp
Classification: Pathogenic. Last evaluated: 2025-06-29. Review status: criteria provided, single submitter. Criteria: Invitae Variant Classification Sherloc (09022015). Collection method: clinical testing. Allele origin: germline.
Comment: This sequence change creates a premature translational stop signal (p.Trp3530*) in the LRP2 gene. It is expected to result in an absent or disrupted protein product. Loss-of-function variants in LRP2 are known to be pathogenic (PMID: 17632512, 25682901). This variant is not present in population databases (gnomAD no frequency). This variant has not been reported in the literature in individuals affected with LRP2-related conditions. For these reasons, this variant has been classified as Pathogenic.

Literature cited by the submitters: PubMed 17632512 (cited by Labcorp Genetics (formerly Invitae), Labcorp); PubMed 25682901 (cited by Labcorp Genetics (formerly Invitae), Labcorp).

NM_004525.3(LRP2):c.10589G>A (p.Trp3530Ter)

Gene: LRP2 (LDL receptor related protein 2; minus strand). Cytogenetic location: 2q31.1.
Variant type: single nucleotide variant.
Coding change: c.10589G>A on transcript NM_004525.3 (MANE Select); coding-DNA position 10589, G replaced by A.
Protein change: p.Trp3530Ter; replaces tryptophan 3530 with a stop codon.
Molecular consequence: nonsense.
Genome position (GRCh38, 1-based): chr2:169,175,372, C>T on the plus strand (G>A on the coding strand, the complement: LRP2 is on the minus strand). VCF-style: chr2-169175372-C-T. GRCh37 (hg19) VCF-style: chr2-170031882-C-T.
Other names: short protein forms W3530*.
Identifiers: ClinVar variation 4722361 (VCV004722361.3).